The following is an entry in ClinVar:

ClinVar aggregate classification (germline): Uncertain significance (1 of 4 stars; one submission).

Conditions:
Cardiovascular phenotype. Identifiers: MedGen CN230736.

Submission:

Ambry Genetics
Classification: Uncertain significance for Cardiovascular phenotype. Last evaluated: 2021-05-13. Review status: criteria provided, single submitter. Criteria: Ambry Variant Classification Scheme 2023. Collection method: clinical testing. Allele origin: germline.
Comment: The p.S2093P variant (also known as c.6277T>C), located in coding exon 8 of the ALMS1 gene, results from a T to C substitution at nucleotide position 6277. The serine at codon 2093 is replaced by proline, an amino acid with similar properties. This amino acid position is not well conserved in available vertebrate species. In addition, this alteration is predicted to be tolerated by in silico analysis. Since supporting evidence is limited at this time, the clinical significance of this alteration remains unclear.

NM_001378454.1(ALMS1):c.6274T>C (p.Ser2092Pro)

Gene: ALMS1 (ALMS1 centrosome and basal body associated protein; plus strand). Cytogenetic location: 2p13.1.
Variant type: single nucleotide variant.
Coding change: c.6274T>C on transcript NM_001378454.1 (MANE Select); coding-DNA position 6274, T replaced by C.
Protein change: p.Ser2092Pro; replaces serine 2092 with proline.
Molecular consequence: missense variant.
Genome position (GRCh38, 1-based): chr2:73,452,801, T>C. VCF-style: chr2-73452801-T-C. GRCh37 (hg19) VCF-style: chr2-73679928-T-C.
Other names: c.6277T>C, p.Ser2093Pro (NM_015120.4); short protein forms S2092P, S2093P.
Identifiers: ClinVar variation 1752566 (VCV001752566.2), dbSNP rs2466108592, ClinGen allele CA347285498.
Genomic context (GRCh38, chr2:73,452,801, plus strand): 5'-CTAAAGATTTCAGCTGTCCCTGAACTAACTGATGTGAATACTGGAAAACCAGTATCTCTC[T>C]CTAGTTCTTATTTTCACAGAGAGAAATCGAATATTTTCAGTCCACAGGAATTGCCAGGTA-3'
Protein context (NP_001365383.1, residues 2082-2102): DVNTGKPVSL[Ser2092Pro]SSYFHREKSN